The following is an entry in ClinVar:

ClinVar aggregate classification (germline): Uncertain significance (1 of 4 stars; one submission).

Conditions:
Familial cancer of breast. Also called: BREAST CANCER, FAMILIAL; Hereditary breast cancer; hereditary breast carcinoma. Identifiers: Orphanet 227535, MedGen C0346153, MONDO:0016419, OMIM 114480. Disease mechanism: loss of function.
Fanconi anemia complementation group J. Also called: BRIP1-Related Fanconi Anemia. Identifiers: Orphanet 84, MedGen C1836860, MONDO:0012187, OMIM 609054.

Submission:

Labcorp Genetics (formerly Invitae), Labcorp
Classification: Uncertain significance for Familial cancer of breast; Fanconi anemia complementation group J. Last evaluated: 2022-07-21. Review status: criteria provided, single submitter. Criteria: Invitae Variant Classification Sherloc (09022015). Collection method: clinical testing. Allele origin: germline.
Comment: In summary, the available evidence is currently insufficient to determine the role of this variant in disease. Therefore, it has been classified as a Variant of Uncertain Significance. Algorithms developed to predict the effect of missense changes on protein structure and function (SIFT, PolyPhen-2, Align-GVGD) all suggest that this variant is likely to be tolerated. This variant has not been reported in the literature in individuals affected with BRIP1-related conditions. This variant is not present in population databases (gnomAD no frequency). This sequence change replaces glutamine, which is neutral and polar, with glutamic acid, which is acidic and polar, at codon 1114 of the BRIP1 protein (p.Gln1114Glu).

NM_032043.3(BRIP1):c.3340C>G (p.Gln1114Glu)

Gene: BRIP1 (BRCA1 interacting DNA helicase 1; minus strand). Cytogenetic location: 17q23.2.
Variant type: single nucleotide variant.
Coding change: c.3340C>G on transcript NM_032043.3 (MANE Select); coding-DNA position 3340, C replaced by G.
Protein change: p.Gln1114Glu; replaces glutamine 1114 with glutamic acid.
Molecular consequence: missense variant.
Genome position (GRCh38, 1-based): chr17:61,683,706, G>C on the plus strand (C>G on the coding strand, the complement: BRIP1 is on the minus strand). VCF-style: chr17-61683706-G-C. GRCh37 (hg19) VCF-style: chr17-59761067-G-C.
Other names: short protein forms Q1114E.
Identifiers: ClinVar variation 1721551 (VCV001721551.5), dbSNP rs1555572681, ClinGen allele CA400478944.